The following is an entry in ClinVar:

NM_004086.3(COCH):c.1537G>C (p.Ala513Pro)

Genes: COCH (cochlin; plus strand), COCH-AS1 (COCH antisense RNA 1; minus strand). Cytogenetic location: 14q12.
Variant type: single nucleotide variant.
Coding change: c.1537G>C on transcript NM_004086.3 (MANE Select); coding-DNA position 1537, G replaced by C.
Protein change: p.Ala513Pro; replaces alanine 513 with proline.
Molecular consequence: missense variant. On other transcripts: non-coding transcript variant (1).
Genome position (GRCh38, 1-based): chr14:30,889,675, G>C. VCF-style: chr14-30889675-G-C. GRCh37 (hg19) VCF-style: chr14-31358881-G-C.
Other names: c.1537G>C, p.Ala513Pro (NM_001135058.2); c.1732G>C, p.Ala578Pro (NM_001347720.2); short protein forms A513P, A578P.
Identifiers: ClinVar variation 1507984 (VCV001507984.6), dbSNP rs2138897496, ClinGen allele CA389349556.

ClinVar aggregate classification (germline): Uncertain significance (1 of 4 stars; one submission).

Submission:

Labcorp Genetics (formerly Invitae), Labcorp
Classification: Uncertain significance. Last evaluated: 2021-09-29. Review status: criteria provided, single submitter. Criteria: Invitae Variant Classification Sherloc (09022015). Collection method: clinical testing. Allele origin: germline.
Comment: Algorithms developed to predict the effect of missense changes on protein structure and function are either unavailable or do not agree on the potential impact of this missense change (SIFT: "Deleterious"; PolyPhen-2: "Probably Damaging"; Align-GVGD: "Class C0"). This variant has not been reported in the literature in individuals affected with COCH-related conditions. This variant is not present in population databases (ExAC no frequency). This sequence change replaces alanine with proline at codon 513 of the COCH protein (p.Ala513Pro). The alanine residue is highly conserved and there is a small physicochemical difference between alanine and proline. In summary, the available evidence is currently insufficient to determine the role of this variant in disease. Therefore, it has been classified as a Variant of Uncertain Significance.